The following is an entry in ClinVar:

NM_001199397.3(NEK1):c.2650_2651insCCTGTAATCCCAGCACTTTGGGAGGCCGAGGCGGGCGGATCACGAGGTCAGGAGATCGAGACCATCCTGNNNNNNNNNNAAAAAAAAAAAAAAAAAAAAAAAAAAAAGTACAATGTA (p.Cys883_Ile884insThrCysAsnProSerThrLeuGlyGlyArgGlyGlyArgIleThrArgSerGlyAspArgAspHisProXaaXaaXaaXaaLysLysLysLysLysLysLysLysLysValGlnCys)

Gene: NEK1 (NIMA related kinase 1; minus strand). Cytogenetic location: 4q33.
Variant type: Insertion.
Coding change: c.2650_2651insCCTGTAATCCCAGCACTTTGGGAGGCCGAGGCGGGCGGATCACGAGGTCAGGAGATCGAGACCATCCTGNNNNNNNNNNAAAAAAAAAAAAAAAAAAAAAAAAAAAAGTACAATGTA on transcript NM_001199397.3 (MANE Select); coding-DNA positions 2650 to 2651, CCTGTAATCCCAGCACTTTGGGAGGCCGAGGCGGGCGGATCACGAGGTCAGGAGATCGAGACCATCCTGNNNNNNNNNNAAAAAAAAAAAAAAAAAAAAAAAAAAAAGTACAATGTA inserted.
Protein change: p.Cys883_Ile884insThrCysAsnProSerThrLeuGlyGlyArgGlyGlyArgIleThrArgSerGlyAspArgAspHisProXaaXaaXaaXaaLysLysLysLysLysLysLysLysLysValGlnCys.
Molecular consequence: inframe insertion. On other transcripts: non-coding transcript variant (1), intron variant (1).
Genome position: GRCh38: chr4:169,438,214-169,438,215. GRCh37 (hg19): chr4:170,359,365-170,359,366.
Other names: c.2518_2519insCCTGTAATCCCAGCACTTTGGGAGGCCGAGGCGGGCGGATCACGAGGTCAGGAGATCGAGACCATCCTGNNNNNNNNNNAAAAAAAAAAAAAAAAAAAAAAAAAAAAGTACAATGTA, p.Cys839_Ile840insThrCysAsnProSerThrLeuGlyGlyArgGlyGlyArgIleThrArgSerGlyAspArgAspHisProXaaXaaXaaXaaLysLysLysLysLysLysLysLysLysValGlnCys (NM_001199398.3); c.2359_2360insCCTGTAATCCCAGCACTTTGGGAGGCCGAGGCGGGCGGATCACGAGGTCAGGAGATCGAGACCATCCTGNNNNNNNNNNAAAAAAAAAAAAAAAAAAAAAAAAAAAAGTACAATGTA, p.Cys786_Ile787insThrCysAsnProSerThrLeuGlyGlyArgGlyGlyArgIleThrArgSerGlyAspArgAspHisProXaaXaaXaaXaaLysLysLysLysLysLysLysLysLysValGlnCys (NM_001199399.3); c.2434_2435insCCTGTAATCCCAGCACTTTGGGAGGCCGAGGCGGGCGGATCACGAGGTCAGGAGATCGAGACCATCCTGNNNNNNNNNNAAAAAAAAAAAAAAAAAAAAAAAAAAAAGTACAATGTA, p.Cys811_Ile812insThrCysAsnProSerThrLeuGlyGlyArgGlyGlyArgIleThrArgSerGlyAspArgAspHisProXaaXaaXaaXaaLysLysLysLysLysLysLysLysLysValGlnCys (NM_001199400.3); c.2650_2651insCCTGTAATCCCAGCACTTTGGGAGGCCGAGGCGGGCGGATCACGAGGTCAGGAGATCGAGACCATCCTGNNNNNNNNNNAAAAAAAAAAAAAAAAAAAAAAAAAAAAGTACAATGTA, p.Cys883_Ile884insThrCysAsnProSerThrLeuGlyGlyArgGlyGlyArgIleThrArgSerGlyAspArgAspHisProXaaXaaXaaXaaLysLysLysLysLysLysLysLysLysValGlnCys (NM_001374418.1); c.2566_2567insCCTGTAATCCCAGCACTTTGGGAGGCCGAGGCGGGCGGATCACGAGGTCAGGAGATCGAGACCATCCTGNNNNNNNNNNAAAAAAAAAAAAAAAAAAAAAAAAAAAAGTACAATGTA, p.Cys855_Ile856insThrCysAsnProSerThrLeuGlyGlyArgGlyGlyArgIleThrArgSerGlyAspArgAspHisProXaaXaaXaaXaaLysLysLysLysLysLysLysLysLysValGlnCys (NM_001374419.1, NM_012224.4); c.2515_2516insCCTGTAATCCCAGCACTTTGGGAGGCCGAGGCGGGCGGATCACGAGGTCAGGAGATCGAGACCATCCTGNNNNNNNNNNAAAAAAAAAAAAAAAAAAAAAAAAAAAAGTACAATGTA, p.Cys838_Ile839insThrCysAsnProSerThrLeuGlyGlyArgGlyGlyArgIleThrArgSerGlyAspArgAspHisProXaaXaaXaaXaaLysLysLysLysLysLysLysLysLysValGlnCys (NM_001374420.1); c.2282-4532_2282-4531insAAAAAAAAGTACAATGTACCTGTAATCCCAGCACTTTGGGAGGCCGAGGCGGGCGGATCACGAGGTCAGGAGATCGAGACCATCCTGNNNNNNNNNNAAAAAAAAAAAAAAAAAAAA (NM_001374421.1).
Identifiers: ClinVar variation 2697738 (VCV002697738.3), dbSNP rs2478424918.

ClinVar aggregate classification (germline): Pathogenic (1 of 4 stars; one submission).

Conditions:
Short-rib thoracic dysplasia 6 with or without polydactyly (SRTD6). Also called: Majewski Syndrome; POLYDACTYLY WITH NEONATAL CHONDRODYSTROPHY, TYPE II; SHORT-RIB THORACIC DYSPLASIA 6 WITH POLYDACTYLY; SHORT-RIB THORACIC DYSPLASIA 6 WITHOUT POLYDACTYLY; SHORT RIB-POLYDACTYLY SYNDROME, TYPE IIA. Identifiers: MedGen C0024507, MONDO:0009894, OMIM 263520.

Submission:

Labcorp Genetics (formerly Invitae), Labcorp
Classification: Pathogenic for Short-rib thoracic dysplasia 6 with or without polydactyly. Last evaluated: 2023-11-20. Review status: criteria provided, single submitter. Criteria: Invitae Variant Classification Sherloc (09022015). Collection method: clinical testing. Allele origin: germline.
Comment: This sequence change inserts a large fragment of DNA, likely a transposable element, in exon 26 of the NEK1 gene (c.2566_2567ins?), causing a frameshift at codon 856 (p.Ile856fs). The exact size and sequence of the insertion cannot be determined by the current assay. However, the insertion is expected to result in an absent or disrupted protein product. This variant is not present in population databases (gnomAD no frequency). This variant has not been reported in the literature in individuals affected with NEK1-related conditions. Retrotransposon insertions including LINE1 (L1), Alu, and SVA (SINE-VNTR-Alu) have been reported to be disease-causing through disruption of either a coding region or splice site (PMID: 19763152, 20307669, 22406018) and loss-of-function variants in NEK1 are known to be pathogenic (PMID: 22499340, 29068549). For these reasons, this variant has been classified as Pathogenic.

Literature cited by the submitters: PubMed 19763152; PubMed 20307669; PubMed 22406018; PubMed 22499340; PubMed 29068549.